The following is an entry in ClinVar:

ClinVar aggregate classification (germline): Benign. Review status: criteria provided, multiple submitters, no conflicts (2 of 4 stars). 6 submissions from 5 submitters: Benign (5). 1 of the submissions does not count toward it. Last evaluated 2026-02-01.

Conditions:
Muscular dystrophy-dystroglycanopathy (congenital with brain and eye anomalies), type A6. Also called: MUSCULAR DYSTROPHY-DYSTROGLYCANOPATHY (CONGENITAL WITH BRAIN AND EYE ANOMALIES), TYPE A, 6; WALKER-WARBURG SYNDROME OR MUSCLE-EYE-BRAIN DISEASE, LARGE-RELATED. Identifiers: Orphanet 588, Orphanet 899, MedGen C3150414, MONDO:0013158, OMIM 613154.
Muscular dystrophy-dystroglycanopathy type B6 (MDDGB6). Also called: MUSCULAR DYSTROPHY-DYSTROGLYCANOPATHY (CONGENITAL WITH IMPAIRED INTELLECTUAL DEVELOPMENT), TYPE B, 6; MUSCULAR DYSTROPHY, CONGENITAL, LARGE-RELATED; MUSCULAR DYSTROPHY, CONGENITAL, TYPE 1D. Identifiers: MedGen C1837229, MONDO:0012138, OMIM 608840.

Allele frequency attached by ClinVar (database versions not stated): ESP Exome Variant Server 0.00023; gnomAD exomes 0.00112; gnomAD 0.00140 and 0.00200; TOPMed 0.00188; 1000 Genomes Project 30x 0.01093; 1000 Genomes Project 0.01258.
gnomAD v4.1: 2,101 of 1,614,104 alleles (0.13%); highest among the groups gnomAD compares: East Asian, 3.7%; 40 homozygotes.

Submissions (6):

Labcorp Genetics (formerly Invitae), Labcorp
Classification: Benign for Muscular dystrophy-dystroglycanopathy type B6. Last evaluated: 2026-02-01. Review status: criteria provided, single submitter. Criteria: Invitae Variant Classification Sherloc (09022015). Collection method: clinical testing. Allele origin: germline.

Illumina Laboratory Services, Illumina
Classification: Benign for Muscular dystrophy-dystroglycanopathy (congenital with brain and eye anomalies), type A6. Last evaluated: 2018-01-13. Review status: criteria provided, single submitter. Criteria: ICSL Variant Classification Criteria 13 December 2019. Collection method: clinical testing. Allele origin: germline.
Comment: This variant was observed in the ICSL laboratory as part of a predisposition screen in an ostensibly healthy population. It had not been previously curated by ICSL or reported in the Human Gene Mutation Database (HGMD: prior to June 1st, 2018), and was therefore a candidate for classification through an automated scoring system. Utilizing variant allele frequency, disease prevalence and penetrance estimates, and inheritance mode, an automated score was calculated to assess if this variant is too frequent to cause the disease. Based on the score and internal cut-off values, a variant classified as benign is not then subjected to further curation. The score for this variant resulted in a classification of benign for this disease.

Illumina Laboratory Services, Illumina
Classification: Benign for Muscular dystrophy-dystroglycanopathy type B6. Last evaluated: 2018-01-13. Review status: criteria provided, single submitter. Criteria: ICSL Variant Classification Criteria 13 December 2019. Collection method: clinical testing. Allele origin: germline.
Comment: the same text as in the submission from Illumina Laboratory Services, Illumina above.

GeneDx
Classification: Benign. Last evaluated: 2016-03-12. Review status: criteria provided, single submitter. Criteria: GeneDx Variant Classification (06012015). Collection method: clinical testing. Allele origin: germline. Affected: yes.
Comment: This variant is considered likely benign or benign based on one or more of the following criteria: it is a conservative change, it occurs at a poorly conserved position in the protein, it is predicted to be benign by multiple in silico algorithms, and/or has population frequency not consistent with disease.

Eurofins Ntd Llc (ga)
Classification: Benign. Last evaluated: 2013-12-04. Review status: criteria provided, single submitter. Criteria: EGL Classification Definitions 2015. Collection method: clinical testing. Allele origin: germline. Observed: 1 variant allele, 1 heterozygote.

Genetic Services Laboratory, University of Chicago
Classification: Likely benign. Review status: no assertion criteria provided. Collection method: clinical testing. Allele origin: germline. Inheritance: Autosomal recessive inheritance. Not counted in ClinVar's aggregate classification.
Comment: Likely benign based on allele frequency in 1000 Genomes Project or ESP global frequency and its presence in a patient with a rare or unrelated disease phenotype. NOT Sanger confirmed

NM_133642.5(LARGE1):c.1008T>C (p.Asp336=)

Gene: LARGE1 (LARGE xylosyl- and glucuronyltransferase 1; minus strand). Cytogenetic location: 22q12.3.
Variant type: single nucleotide variant.
Coding change: c.1008T>C on transcript NM_133642.5 (MANE Select); coding-DNA position 1008, T replaced by C.
Protein change: p.Asp336=; no amino-acid change (aspartic acid 336 retained).
Molecular consequence: synonymous variant.
Genome position (GRCh38, 1-based): chr22:33,382,042, A>G on the plus strand (T>C on the coding strand, the complement: LARGE1 is on the minus strand). VCF-style: chr22-33382042-A-G. GRCh37 (hg19) VCF-style: chr22-33778028-A-G.
Other names: c.1008T>C, p.Asp336= (NM_001362949.2, NM_001362951.2, NM_001362953.2 and 7 more transcripts); c.405T>C, p.Asp135= (NM_001378630.1, NM_001378631.1).
Identifiers: ClinVar variation 158804 (VCV000158804.23), dbSNP rs115076367, ClinGen allele CA172463.
Genomic context (GRCh38, chr22:33,382,042, plus strand): 5'-CCAGAAGCAGGGGAGCTGGTACACAAGGAAGGGGTTTTGTTTGATGACGGCATTGAAAAT[A>G]TCCTGGGGGATGAAAGCCAAAGACACAGTCAAGACAGTCGGATGGTCCAGCTGCCCATTT-3'
Protein context (NP_598397.1, residues 326-346): GMLSTSLADQ[Asp336=]IFNAVIKQNP